The following is an entry in ClinVar:

NM_007186.6(CEP250):c.1351A>G (p.Thr451Ala)

Genes: CEP250 (centrosomal protein 250; plus strand), CEP250-AS1 (CEP250 antisense RNA 1; minus strand). Cytogenetic location: 20q11.22.
Variant type: single nucleotide variant.
Coding change: c.1351A>G on transcript NM_007186.6 (MANE Select); coding-DNA position 1351, A replaced by G.
Protein change: p.Thr451Ala; replaces threonine 451 with alanine.
Molecular consequence: missense variant. On other transcripts: 5 prime UTR variant (1).
Genome position (GRCh38, 1-based): chr20:35,473,515, A>G. VCF-style: chr20-35473515-A-G. GRCh37 (hg19) VCF-style: chr20-34061340-A-G.
Other names: c.-549A>G (NM_001318219.1); c.1351A>G (NM_007186.3); short protein forms T451A.
Identifiers: ClinVar variation 1042340 (VCV001042340.12), dbSNP rs1204430383, ClinGen allele CA408761712.

ClinVar aggregate classification (germline): Uncertain significance. Review status: criteria provided, multiple submitters, no conflicts (2 of 4 stars). 2 submissions from 2 submitters: Uncertain significance (2). Last evaluated 2025-04-07.

Allele frequency attached by ClinVar (database versions not stated): gnomAD exomes below 0.00001 and 0.00001; TOPMed 0.00001; gnomAD 0.00002.
gnomAD v4.1: 7 of 1,613,896 alleles (0.00043%); highest among the groups gnomAD compares: Admixed American, 0.0017%; no homozygotes.

Submissions (2):

Ambry Genetics
Classification: Uncertain significance. Last evaluated: 2025-04-07. Review status: criteria provided, single submitter. Criteria: Ambry Variant Classification Scheme 2023. Collection method: clinical testing. Allele origin: germline.

Labcorp Genetics (formerly Invitae), Labcorp
Classification: Uncertain significance. Last evaluated: 2024-05-29. Review status: criteria provided, single submitter. Criteria: Invitae Variant Classification Sherloc (09022015). Collection method: clinical testing. Allele origin: germline.
Comment: This sequence change replaces threonine, which is neutral and polar, with alanine, which is neutral and non-polar, at codon 451 of the CEP250 protein (p.Thr451Ala). This variant is present in population databases (no rsID available, gnomAD 0.003%). This variant has not been reported in the literature in individuals affected with CEP250-related conditions. ClinVar contains an entry for this variant (Variation ID: 1042340). Algorithms developed to predict the effect of missense changes on protein structure and function output the following: SIFT: "Not Available"; PolyPhen-2: "Benign"; Align-GVGD: "Not Available". The alanine amino acid residue is found in multiple mammalian species, which suggests that this missense change does not adversely affect protein function. In summary, the available evidence is currently insufficient to determine the role of this variant in disease. Therefore, it has been classified as a Variant of Uncertain Significance.